The following is an entry in ClinVar:

NM_000169.3(GLA):c.886A>T (p.Met296Leu)

Genes: GLA (galactosidase alpha; minus strand), RPL36A-HNRNPH2 (RPL36A-HNRNPH2 readthrough; plus strand). Cytogenetic location: Xq22.1.
Variant type: single nucleotide variant.
Coding change: c.886A>T on transcript NM_000169.3 (MANE Select); coding-DNA position 886, A replaced by T.
Protein change: p.Met296Leu; replaces methionine 296 with leucine.
Molecular consequence: missense variant. On other transcripts: non-coding transcript variant (3), intron variant (2).
Genome position (GRCh38, 1-based): chrX:101,398,483, T>A on the plus strand (A>T on the coding strand, the complement: GLA is on the minus strand). VCF-style: chrX-101398483-T-A. GRCh37 (hg19) VCF-style: chrX-100653471-T-A.
Other names: c.1009A>T, p.Met337Leu (NM_001406747.1); c.886A>T, p.Met296Leu (NM_001406748.1); c.300+3026T>A (NM_001199973.2); c.177+6661T>A (NM_001199974.2); short protein forms M296L, M337L.
Identifiers: ClinVar variation 2737313 (VCV002737313.6), dbSNP rs104894830, ClinGen allele CA413922464.

ClinVar aggregate classification (germline): Pathogenic/Likely pathogenic. Review status: criteria provided, multiple submitters, no conflicts (2 of 4 stars). 3 submissions from 3 submitters: Pathogenic (1); Likely pathogenic (2). Last evaluated 2026-09-08.

Conditions:
Fabry disease. Also called: Angiokeratoma corporis diffusum; Fabry's disease; ALPHA-GALACTOSIDASE A DEFICIENCY; ANDERSON-FABRY DISEASE; CERAMIDE TRIHEXOSIDASE DEFICIENCY; Ceramide trihexosidosis. Identifiers: Orphanet 324, MedGen C0002986, MONDO:0010526, OMIM 301500, HP:0001071. Disease mechanism: Fabry disease is due to inactivating mutations in the X-linked GLA gene resulting in deficiency of the enzyme Alpha Galactosidase-A., loss of function.

Submissions (3):

Genomenon, Inc
Classification: Likely pathogenic for Fabry disease. Last evaluated: 2026-09-08. Review status: criteria provided, single submitter. Criteria: Genomenon Sequence Variant Interpretation Standards - Updated. Collection method: curation. Allele origin: germline. Affected: yes.
Comment: GLA p.Met296Leu (c.886A>T) is a missense variant that changes the amino acid at codon 296 from Methionine to Leucine. This variant has been observed in at least one proband with clinical features consistent with Fabry disease (PMID:28615118;41526641). At least one functional study has demonstrated a substantial alteration in protein function relative to the wild-type (PMID:28615118). It is absent or not present at a significant frequency in gnomAD. In silico models predict that this variant is possibly or probably damaging. In conclusion, we classify GLA p.Met296Leu (c.886A>T) as a likely pathogenic variant.

Labcorp Genetics (formerly Invitae), Labcorp
Classification: Likely pathogenic for Fabry disease. Last evaluated: 2023-12-02. Review status: criteria provided, single submitter. Criteria: Invitae Variant Classification Sherloc (09022015). Collection method: clinical testing. Allele origin: germline.
Comment: This sequence change replaces methionine, which is neutral and non-polar, with leucine, which is neutral and non-polar, at codon 296 of the GLA protein (p.Met296Leu). This variant is not present in population databases (gnomAD no frequency). This missense change has been observed in individual(s) with reduced alpha-galactosidase activity (PMID: 20031620). Advanced modeling of protein sequence and biophysical properties (such as structural, functional, and spatial information, amino acid conservation, physicochemical variation, residue mobility, and thermodynamic stability) performed at Invitae indicates that this missense variant is not expected to disrupt GLA protein function with a negative predictive value of 80%. Experimental studies have shown that this missense change affects GLA function (PMID: 28615118). This variant disrupts the p.Met296 amino acid residue in GLA. Other variant(s) that disrupt this residue have been determined to be pathogenic (PMID: 7596372, 12911529). This suggests that this residue is clinically significant, and that variants that disrupt this residue are likely to be disease-causing. In summary, the currently available evidence indicates that the variant is pathogenic, but additional data are needed to prove that conclusively. Therefore, this variant has been classified as Likely Pathogenic.

GeneDx
Classification: Pathogenic. Last evaluated: 2023-10-13. Review status: criteria provided, single submitter. Criteria: GeneDx Variant Classification Process June 2021. Collection method: clinical testing. Allele origin: germline. Affected: yes.
Comment: Published functional studies found this variant is associated with significantly reduced enzyme activity (PMID: 27657681); Not observed at significant frequency in large population cohorts (gnomAD); In silico analysis supports that this missense variant has a deleterious effect on protein structure/function; This variant is associated with the following publications: (PMID: 25382311, 20108436, 24613481, 22063097, 28615118, 20031620, 27657681)

Literature cited by the submitters: PubMed 28615118 (cited by Genomenon, Inc and Labcorp Genetics (formerly Invitae), Labcorp); PubMed 41526641 (cited by Genomenon, Inc); PubMed 20031620 (cited by Labcorp Genetics (formerly Invitae), Labcorp); PubMed 7596372 (cited by Labcorp Genetics (formerly Invitae), Labcorp); PubMed 12911529 (cited by Labcorp Genetics (formerly Invitae), Labcorp).